The following is an entry in ClinVar:

NM_004752.4(GCM2):c.303G>T (p.Leu101=)

Gene: GCM2 (glial cells missing transcription factor 2; minus strand). Cytogenetic location: 6p24.2.
Variant type: single nucleotide variant.
Coding change: c.303G>T on transcript NM_004752.4 (MANE Select); coding-DNA position 303, G replaced by T.
Protein change: p.Leu101=; no amino-acid change (leucine 101 retained).
Molecular consequence: synonymous variant.
Genome position (GRCh38, 1-based): chr6:10,877,180, C>A on the plus strand (G>T on the coding strand, the complement: GCM2 is on the minus strand). VCF-style: chr6-10877180-C-A. GRCh37 (hg19) VCF-style: chr6-10877413-C-A.
Identifiers: ClinVar variation 64537 (VCV000064537.2), dbSNP rs387907432, ClinGen allele CA216359.
Genomic context (GRCh38, chr6:10,877,180, plus strand): 5'-CCCTGGCCCCATGTCCTCACTCTGCTGTTTCAGCCGTGCCTTGTCGCAGATGGCCGGCCT[C>A]AGCTGCAGGCGGGAACCGTCGGGCAGGGTGCAGGCCTGTGTACACACCACCACACCCAGG-3'
Protein context (NP_004743.1, residues 91-111): CTLPDGSRLQ[Leu101=]RPAICDKARL

ClinVar aggregate classification (germline): Uncertain significance (0 of 4 stars; one submission).

Allele frequency attached by ClinVar (database versions not stated): TOPMed below 0.00001.
gnomAD v4.1: 3 of 1,613,850 alleles (0.00019%); highest among the groups gnomAD compares: Non-Finnish European, 0.00025%; no homozygotes.

Submission:

Martin Pollak Laboratory,  Beth Israel Deaconess Medical Center
Classification: Uncertain significance. Review status: no assertion criteria provided. Collection method: not provided. Allele origin: unknown.
Comment: Lower UCa2+ group
ClinVar note: Converted during submission from unknown to Uncertain significance.